The following is an entry in ClinVar:

NM_004329.3(BMPR1A):c.1440G>C (p.Arg480=)

Gene: BMPR1A (bone morphogenetic protein receptor type 1A; plus strand). Cytogenetic location: 10q23.2.
Variant type: single nucleotide variant.
Coding change: c.1440G>C on transcript NM_004329.3 (MANE Select); coding-DNA position 1440, G replaced by C.
Protein change: p.Arg480=; no amino-acid change (arginine 480 retained).
Molecular consequence: synonymous variant. On other transcripts: non-coding transcript variant (3).
Genome position (GRCh38, 1-based): chr10:86,923,473, G>C. VCF-style: chr10-86923473-G-C. GRCh37 (hg19) VCF-style: chr10-88683230-G-C.
Other names: c.1515G>C, p.Arg505= (NM_001406559.1); c.1488G>C, p.Arg496= (NM_001406560.1); c.1440G>C, p.Arg480= (NM_001406561.1, NM_001406562.1, NM_001406563.1 and 19 more transcripts); c.1434G>C, p.Arg478= (NM_001406583.1); c.1356G>C, p.Arg452= (NM_001406584.1, NM_001406585.1, NM_001406586.1 and 2 more transcripts); c.1098G>C, p.Arg366= (NM_001406589.1).
Identifiers: ClinVar variation 2011246 (VCV002011246.7), dbSNP rs1564725678, ClinGen allele CA470308624.

ClinVar aggregate classification (germline): Benign/Likely benign. Review status: criteria provided, multiple submitters, no conflicts (2 of 4 stars). 3 submissions from 3 submitters: Benign (1); Likely benign (2). Last evaluated 2024-08-08.

Conditions:
Hereditary cancer-predisposing syndrome. Also called: Neoplastic Syndromes, Hereditary; Hereditary neoplastic syndrome; Tumor predisposition; Hereditary Cancer Syndrome. Identifiers: Orphanet 140162, MedGen C0027672, MeSH D009386, MONDO:0015356.
Juvenile polyposis syndrome (JPS). Identifiers: Orphanet 2929, MedGen C0345893, MONDO:0017380, OMIM 174900.

Submissions (3):

Myriad Genetics, Inc.
Classification: Benign for Juvenile polyposis syndrome. Last evaluated: 2024-08-08. Review status: criteria provided, single submitter. Criteria: Myriad Autosomal Dominant, Autosomal Recessive and X-Linked Classification Criteria (2023). Collection method: clinical testing. Allele origin: unknown.
Comment: This variant is considered benign. This variant is a silent/synonymous amino acid change and it is not expected to impact splicing.

Ambry Genetics
Classification: Likely benign for Hereditary cancer-predisposing syndrome. Last evaluated: 2023-06-24. Review status: criteria provided, single submitter. Criteria: Ambry Variant Classification Scheme 2023. Collection method: clinical testing. Allele origin: germline.

Labcorp Genetics (formerly Invitae), Labcorp
Classification: Likely benign for Juvenile polyposis syndrome. Last evaluated: 2022-06-26. Review status: criteria provided, single submitter. Criteria: Invitae Variant Classification Sherloc (09022015). Collection method: clinical testing. Allele origin: germline.